The following is an entry in ClinVar:

NM_000069.3(CACNA1S):c.1744G>C (p.Gly582Arg)

Gene: CACNA1S (calcium voltage-gated channel subunit alpha1 S; minus strand). Cytogenetic location: 1q32.1.
Variant type: single nucleotide variant.
Coding change: c.1744G>C on transcript NM_000069.3 (MANE Select); coding-DNA position 1744, G replaced by C.
Protein change: p.Gly582Arg; replaces glycine 582 with arginine.
Molecular consequence: missense variant.
Genome position (GRCh38, 1-based): chr1:201,077,003, C>G on the plus strand (G>C on the coding strand, the complement: CACNA1S is on the minus strand). VCF-style: chr1-201077003-C-G. GRCh37 (hg19) VCF-style: chr1-201046131-C-G.
Other names: short protein forms G582R.
Identifiers: ClinVar variation 1470146 (VCV001470146.6), dbSNP rs1365145775, ClinGen allele CA344119872.

ClinVar aggregate classification (germline): Uncertain significance (1 of 4 stars; one submission).

Conditions:
Hypokalemic periodic paralysis, type 1. Also called: HypoPP; Hypokalemic Periodic Paralysis Type 1 (AD). Identifiers: Orphanet 681, MedGen C3714580, MONDO:0042979, OMIM 170400.
Malignant hyperthermia, susceptibility to, 5 (MHS5). Also called: CACNA1S-Related Malignant Hyperthermia Susceptibility. Identifiers: Orphanet 423, MedGen C1866077, MONDO:0011163, OMIM 601887.

Submission:

Labcorp Genetics (formerly Invitae), Labcorp
Classification: Uncertain significance for Hypokalemic periodic paralysis, type 1; Malignant hyperthermia, susceptibility to, 5. Last evaluated: 2021-08-04. Review status: criteria provided, single submitter. Criteria: Invitae Variant Classification Sherloc (09022015). Collection method: clinical testing. Allele origin: germline.
Comment: This sequence change replaces glycine with arginine at codon 582 of the CACNA1S protein (p.Gly582Arg). The glycine residue is highly conserved and there is a moderate physicochemical difference between glycine and arginine. This variant is not present in population databases (ExAC no frequency). This variant has not been reported in the literature in individuals affected with CACNA1S-related conditions. Algorithms developed to predict the effect of missense changes on protein structure and function (SIFT, PolyPhen-2, Align-GVGD) all suggest that this variant is likely to be disruptive. In summary, the available evidence is currently insufficient to determine the role of this variant in disease. Therefore, it has been classified as a Variant of Uncertain Significance.